The following is an entry in ClinVar:

ClinVar aggregate classification (germline): Uncertain significance (1 of 4 stars; one submission).

Conditions:
Granulomatous disease, chronic, X-linked. Also called: CYTOCHROME b-NEGATIVE GRANULOMATOUS DISEASE, CHRONIC, X-LINKED; GRANULOMATOUS DISEASE, CHRONIC, X-LINKED, SOMATIC MOSAIC. Identifiers: Orphanet 379, MedGen C1844376, MONDO:0010600, OMIM 306400.

Submission:

Labcorp Genetics (formerly Invitae), Labcorp
Classification: Uncertain significance for Chronic granulomatous disease, X-linked. Last evaluated: 2019-06-12. Review status: criteria provided, single submitter. Criteria: Invitae Variant Classification Sherloc (09022015). Collection method: clinical testing. Allele origin: germline.
Comment: This variant results in a copy number gain of the genomic region encompassing the full coding sequence of the CYBB gene. The boundaries of this event are unknown as they extend beyond the assayed region for this gene and therefore may encompass additional genes. As the precise location of this event is unknown, it may be in tandem or it may be located elsewhere in the genome. This variant has not been reported in the literature in individuals with CYBB-related conditions. In summary, the available evidence is currently insufficient to determine the role of this variant in disease. Therefore, it has been classified as a Variant of Uncertain Significance.

NC_000023.11:g.(?_37780009)_(37810937_?)dup

Gene: CYBB (cytochrome b-245 beta chain; plus strand). Cytogenetic location: Xp11.4.
Variant type: Duplication.
Identifiers: ClinVar variation 832406 (VCV000832406.1).